The following is an entry in ClinVar:

NM_024757.5(EHMT1):c.3046C>T (p.Arg1016Ter)

Gene: EHMT1 (euchromatic histone lysine methyltransferase 1; plus strand). Cytogenetic location: 9q34.3.
Variant type: single nucleotide variant.
Coding change: c.3046C>T on transcript NM_024757.5 (MANE Select); coding-DNA position 3046, C replaced by T.
Protein change: p.Arg1016Ter; replaces arginine 1016 with a stop codon.
Molecular consequence: nonsense.
Genome position (GRCh38, 1-based): chr9:137,813,396, C>T. VCF-style: chr9-137813396-C-T. GRCh37 (hg19) VCF-style: chr9-140707848-C-T.
Other names: c.3025C>T, p.Arg1009Ter (NM_001354263.2); short protein forms R1016*, R1009*.
Identifiers: ClinVar variation 566937 (VCV000566937.18), dbSNP rs1429360126, ClinGen allele CA375793823.
Genomic context (GRCh38, chr9:137,813,396, plus strand): 5'-CTGGGCAGAGCACGTCAGCCACCAGGTGACACCTGTCCTTTCCATGGCAGGGACATCGCT[C>T]GAGGCTACGAGCGCATCCCCATCCCCTGTGTCAACGCCGTGGACAGCGAGCCATGCCCCA-3'

ClinVar aggregate classification (germline): Pathogenic. Review status: criteria provided, multiple submitters, no conflicts (2 of 4 stars). 9 submissions from 9 submitters: Pathogenic (7). 2 of the submissions do not count toward it. Last evaluated 2026-03-12.

Conditions:
EHMT1-related disorders.
Inborn genetic diseases. Identifiers: MedGen C0950123, MeSH D030342.
Kleefstra syndrome 1 (KLEFS1). Identifiers: Orphanet 261494, MedGen C0795833, MONDO:0027407, OMIM 610253.

Submissions (9):

GeneDx
Classification: Pathogenic. Last evaluated: 2026-03-12. Review status: criteria provided, single submitter. Criteria: GeneDx Variant Classification Process June 2021. Collection method: clinical testing. Allele origin: germline.
Comment: Nonsense variant predicted to result in protein truncation or nonsense mediated decay in a gene for which loss of function is a known mechanism of disease; Not observed at significant frequency in large population cohorts (gnomAD); This variant is associated with the following publications: (PMID: 37802085, 39013458)

Institute of Immunology and Genetics Kaiserslautern
Classification: Pathogenic for Kleefstra syndrome 1. Last evaluated: 2026-01-19. Review status: criteria provided, single submitter. Criteria: ACMG Guidelines, 2015. Collection method: clinical testing. Allele origin: de novo. Affected: yes.
Comment: ACMG Criteria: PVS1, PS2, PS4_M, PM2, PP1; Variant was found in a heterozygous state. De novo-status was confirmed via in-house segregation analysis.

Blueprint Genetics
Classification: Pathogenic for EHMT1-related disorders. Last evaluated: 2021-08-19. Review status: criteria provided, single submitter. Criteria: ACMG Guidelines, 2015. Collection method: clinical testing. Allele origin: de novo. Affected: yes. Observed: 1 variant allele.

Department of Clinical Genetics, Copenhagen University Hospital, Rigshospitalet
Classification: Pathogenic for Kleefstra syndrome 1. Last evaluated: 2021-08-01. Review status: criteria provided, single submitter. Criteria: ACMG Guidelines, 2015. Collection method: clinical testing. Allele origin: de novo. Affected: yes.

Ambry Genetics
Classification: Pathogenic for Inborn genetic diseases. Last evaluated: 2020-07-21. Review status: criteria provided, single submitter. Criteria: Ambry Variant Classification Scheme 2023. Collection method: clinical testing. Allele origin: germline.
Comment: The c.3046C>T (p.R1016*) alteration, located in coding exon 21 of the EHMT1 gene, results from a C to T substitution at nucleotide position 3046. This changes the amino acid from an arginine (R) to a stop codon at amino acid position 1016. This alteration is expected to result in loss of function by premature protein truncation or nonsense-mediated mRNA decay. Based on the available evidence, this alteration is classified as pathogenic.

Labcorp Genetics (formerly Invitae), Labcorp
Classification: Pathogenic for Kleefstra syndrome 1. Last evaluated: 2018-01-13. Review status: criteria provided, single submitter. Criteria: Invitae Variant Classification Sherloc (09022015). Collection method: clinical testing. Allele origin: germline.
Comment: For these reasons, this variant has been classified as Pathogenic. Loss-of-function variants in EHMT1 are known to be pathogenic (PMID: 16826528, 19264732). This variant has not been reported in the literature in individuals with EHMT1-related disease. This variant is not present in population databases (ExAC no frequency). This sequence change creates a premature translational stop signal (p.Arg1016*) in the EHMT1 gene. It is expected to result in an absent or disrupted protein product.

Laboratory of Genetics, Children's Clinical University Hospital Latvia
Classification: Pathogenic for Kleefstra syndrome 1. Review status: criteria provided, single submitter. Criteria: ACMG Guidelines, 2015. Collection method: curation. Allele origin: de novo. Affected: yes.
Comment: de novo

Clinical Genetics DNA and cytogenetics Diagnostics Lab, Erasmus MC, Erasmus Medical Center
Classification: Pathogenic. Review status: no assertion criteria provided. Collection method: clinical testing. Allele origin: germline. Affected: yes. Study: VKGL Data-share Consensus. Not counted in ClinVar's aggregate classification.

Joint Genome Diagnostic Labs from Nijmegen and Maastricht, Radboudumc and MUMC+
Classification: Pathogenic. Review status: no assertion criteria provided. Collection method: clinical testing. Allele origin: germline. Affected: yes. Study: VKGL Data-share Consensus. Not counted in ClinVar's aggregate classification.

Literature cited by the submitters: PubMed 16826528 (cited by Labcorp Genetics (formerly Invitae), Labcorp); PubMed 19264732 (cited by Labcorp Genetics (formerly Invitae), Labcorp); PubMed 39013458 (cited by Laboratory of Genetics, Children's Clinical University Hospital Latvia).